The following is an entry in ClinVar:

NM_000337.6(SGCD):c.437G>A (p.Gly146Glu)

Gene: SGCD (sarcoglycan delta; plus strand). Cytogenetic location: 5q33.3.
Variant type: single nucleotide variant.
Coding change: c.437G>A on transcript NM_000337.6 (MANE Select); coding-DNA position 437, G replaced by A.
Protein change: p.Gly146Glu; replaces glycine 146 with glutamic acid.
Molecular consequence: missense variant.
Genome position (GRCh38, 1-based): chr5:156,594,986, G>A. VCF-style: chr5-156594986-G-A. GRCh37 (hg19) VCF-style: chr5-156021996-G-A.
Other names: c.434G>A, p.Gly145Glu (NM_001128209.2); c.437G>A, p.Gly146Glu (NM_172244.3); short protein forms G145E, G146E.
Identifiers: ClinVar variation 1740144 (VCV001740144.3), dbSNP rs1438925313, ClinGen allele CA362010506.
Genomic context (GRCh38, chr5:156,594,986, plus strand): 5'-TCTCAGGTCCAAAAGCCGTAGAAGCTTATGGTAAAAAATTTGAGGTAAAAACTGTTTCTG[G>A]AAAATTGCTCTTCTCTGCAGACAATAATGAAGTGGTAGTAGGAGCTGAAAGATTACGAGT-3'
Protein context (NP_000328.2, residues 136-156): GKKFEVKTVS[Gly146Glu]KLLFSADNNE

ClinVar aggregate classification (germline): Uncertain significance (1 of 4 stars; one submission).

Conditions:
Inborn genetic diseases. Identifiers: MedGen C0950123, MeSH D030342.

Allele frequency attached by ClinVar (database versions not stated): gnomAD exomes below 0.00001.
gnomAD v4.1: 2 of 1,612,632 alleles (0.00012%); highest among the groups gnomAD compares: Non-Finnish European, 0.00017%; no homozygotes.

Submission:

Ambry Genetics
Classification: Uncertain significance for Inborn genetic diseases. Last evaluated: 2024-06-14. Review status: criteria provided, single submitter. Criteria: Ambry Variant Classification Scheme 2023. Collection method: clinical testing. Allele origin: germline.
Comment: The p.G146E variant (also known as c.437G>A), located in coding exon 5 of the SGCD gene, results from a G to A substitution at nucleotide position 437. The glycine at codon 146 is replaced by glutamic acid, an amino acid with similar properties. This amino acid position is conserved. In addition, this alteration is predicted to be deleterious by in silico analysis. Since supporting evidence is limited at this time, the clinical significance of this alteration remains unclear.